The following is an entry in ClinVar:

NM_001374504.1(TMPRSS6):c.1789_1791del (p.Leu597del)

Gene: TMPRSS6 (transmembrane serine protease 6; minus strand). Cytogenetic location: 22q12.3.
Variant type: Deletion.
Coding change: c.1789_1791del on transcript NM_001374504.1 (MANE Select); coding-DNA positions 1789 to 1791, 3 bases deleted (CTC; older notation c.1789_1791delCTC).
Protein change: p.Leu597del; deletes leucine 597.
Molecular consequence: inframe deletion.
Genome position (GRCh38, 1-based): chr22:37,070,534-37,070,536, GAG deleted on the plus strand (CTC on the coding strand, the reverse complement: TMPRSS6 is on the minus strand); deleting any 3 consecutive bases within chr22:37,070,534-37,070,537 gives the same sequence; the c. name uses the placement nearest the transcript's 3' end. VCF-style (leftmost placement, unchanged base first): chr22-37070533-TGAG-T. GRCh37 (hg19) VCF-style: chr22-37466573-TGAG-T.
Other names: c.1789_1791del, p.Leu597del (NM_001289000.2, NM_001289001.2, NM_153609.4); short protein forms L597del.
Identifiers: ClinVar variation 4855752 (VCV004855752.1).

ClinVar aggregate classification (germline): Uncertain significance (1 of 4 stars; one submission).

Conditions:
Iron-refractory iron deficiency anemia (IRIDA). Also called: IRON-HANDLING DISORDER, HEREDITARY; PSEUDO-IRON-DEFICIENCY ANEMIA; IRIDA syndrome; ANEMIA, HYPOCHROMIC MICROCYTIC, WITH DEFECT IN IRON METABOLISM. Identifiers: Orphanet 209981, MedGen C0085576, MONDO:0008788, OMIM 206200. Disease mechanism: loss of function.

Submission:

3billion
Classification: Uncertain significance for Iron-refractory iron deficiency anemia. Last evaluated: 2025-11-10. Review status: criteria provided, single submitter. Criteria: ACMG Guidelines, 2015. Collection method: clinical testing. Allele origin: germline. Affected: yes.
Comment: The variant is not observed in the gnomAD v4.1.0 dataset. Predicted Consequence/Location: Inframe deletion located in a nonrepeat region: predicted to change the length of the protein and disrupt normal protein function. Therefore, this variant is classified as VUS according to the recommendation of ACMG/AMP guideline.